The following is an entry in ClinVar:

ClinVar aggregate classification (germline): Uncertain significance (1 of 4 stars; one submission).

Allele frequency attached by ClinVar (database versions not stated): gnomAD exomes below 0.00001; TOPMed below 0.00001.

Submission:

CeGaT Center for Human Genetics Tuebingen
Classification: Uncertain significance. Last evaluated: 2024-03-01. Review status: criteria provided, single submitter. Criteria: CeGaT Center For Human Genetics Tuebingen Variant Classification Criteria Version 2. Collection method: clinical testing. Allele origin: germline. Affected: yes. Observed: 4 variant alleles.
Comment: SYNJ1: PM2, PM3:Supporting, PP3

NM_203446.3(SYNJ1):c.2420G>A (p.Arg807His)

Gene: SYNJ1 (synaptojanin 1; minus strand). Cytogenetic location: 21q22.11.
Variant type: single nucleotide variant.
Coding change: c.2420G>A on transcript NM_203446.3 (MANE Select); coding-DNA position 2420, G replaced by A.
Protein change: p.Arg807His; replaces arginine 807 with histidine.
Molecular consequence: missense variant.
Genome position (GRCh38, 1-based): chr21:32,657,757, C>T on the plus strand (G>A on the coding strand, the complement: SYNJ1 is on the minus strand). VCF-style: chr21-32657757-C-T. GRCh37 (hg19) VCF-style: chr21-34030067-C-T.
Other names: c.2420G>A, p.Arg807His (NM_001160302.2); c.2405G>A, p.Arg802His (NM_001160306.2); c.2537G>A, p.Arg846His (NM_003895.4); short protein forms R802H, R807H, R846H.
Identifiers: ClinVar variation 3067421 (VCV003067421.21), dbSNP rs971454600, ClinGen allele CA319426045.
Genomic context (GRCh38, chr21:32,657,757, plus strand): 5'-AAGAAGCCCATTTCCCAACCTGATCTATCAAAAGGCCATTTCCTCCTTCTCCAAAGGACA[C>T]GGTCTGTCCAGGCAGGGGTGCGGCACTTTTCACTGGTGTCATAGTCGTCAGAAAACAAGT-3'
Protein context (NP_982271.3, residues 797-817): EKCRTPAWTD[Arg807His]VLWRRRKWPF